The following is an entry in ClinVar:

ClinVar aggregate classification (germline): Conflicting classifications of pathogenicity. Review status: criteria provided, conflicting classifications (1 of 4 stars). 4 submissions from 4 submitters: Uncertain significance (1); Likely benign (3). Last evaluated 2025-10-28.

Conditions:
Inborn genetic diseases. Identifiers: MedGen C0950123, MeSH D030342.

Allele frequency attached by ClinVar (database versions not stated): ExAC 0.00005; gnomAD exomes 0.00006; gnomAD 0.00020 and 0.00021; TOPMed 0.00022.
gnomAD v4.1: 71 of 1,551,462 alleles (0.0046%); highest among the groups gnomAD compares: African/African-American, 0.07%; no homozygotes.

Submissions (4):

Labcorp Genetics (formerly Invitae), Labcorp
Classification: Likely benign. Last evaluated: 2025-10-28. Review status: criteria provided, single submitter. Criteria: Invitae Variant Classification Sherloc (09022015). Collection method: clinical testing. Allele origin: germline.

GeneDx
Classification: Uncertain significance. Last evaluated: 2025-02-18. Review status: criteria provided, single submitter. Criteria: GeneDx Variant Classification Process June 2021. Collection method: clinical testing. Allele origin: germline. Affected: yes.
Comment: In silico analysis indicates that this missense variant does not alter protein structure/function; Has not been previously published as pathogenic or benign to our knowledge

Blueprint Genetics
Classification: Likely benign. Last evaluated: 2024-11-12. Review status: criteria provided, single submitter. Criteria: ACMG Guidelines, 2015. Collection method: clinical testing. Allele origin: germline.

Ambry Genetics
Classification: Likely benign for Inborn genetic diseases. Last evaluated: 2021-08-02. Review status: criteria provided, single submitter. Criteria: Ambry Variant Classification Scheme 2023. Collection method: clinical testing. Allele origin: germline.

NM_001384732.1(CPLANE1):c.3131G>A (p.Arg1044His)

Gene: CPLANE1 (ciliogenesis and planar polarity effector complex subunit 1; minus strand). Cytogenetic location: 5p13.2.
Variant type: single nucleotide variant.
Coding change: c.3131G>A on transcript NM_001384732.1 (MANE Select); coding-DNA position 3131, G replaced by A.
Protein change: p.Arg1044His; replaces arginine 1044 with histidine.
Molecular consequence: missense variant.
Genome position (GRCh38, 1-based): chr5:37,206,215, C>T on the plus strand (G>A on the coding strand, the complement: CPLANE1 is on the minus strand). VCF-style: chr5-37206215-C-T. GRCh37 (hg19) VCF-style: chr5-37206317-C-T.
Other names: c.3131G>A, p.Arg1044His (NM_023073.4); short protein forms R1044H.
Identifiers: ClinVar variation 1309111 (VCV001309111.12), dbSNP rs779754977, ClinGen allele CA3238994.